The following is an entry in ClinVar:

ClinVar aggregate classification (germline): Uncertain significance (1 of 4 stars; one submission).

Conditions:
Brugada syndrome. Also called: Sudden unexplained nocturnal death syndrome; Sudden unexpected nocturnal death syndrome; Sudden Unexplained Death Syndrome; Sudden Unexplained Nocturnal Death Syndrome (SUNDS). Identifiers: Orphanet 130, MedGen C1142166, MONDO:0015263.

Submission:

Labcorp Genetics (formerly Invitae), Labcorp
Classification: Uncertain significance for Brugada syndrome. Last evaluated: 2021-06-15. Review status: criteria provided, single submitter. Criteria: Invitae Variant Classification Sherloc (09022015). Collection method: clinical testing. Allele origin: germline.
Comment: In summary, the available evidence is currently insufficient to determine the role of this variant in disease. Therefore, it has been classified as a Variant of Uncertain Significance. Advanced modeling of protein sequence and biophysical properties (such as structural, functional, and spatial information, amino acid conservation, physicochemical variation, residue mobility, and thermodynamic stability) performed at Invitae indicates that this missense variant is expected to disrupt SCN10A protein function. This variant has not been reported in the literature in individuals with SCN10A-related conditions. This variant is not present in population databases (ExAC no frequency). This sequence change replaces methionine with threonine at codon 398 of the SCN10A protein (p.Met398Thr). The methionine residue is highly conserved and there is a moderate physicochemical difference between methionine and threonine.

NM_006514.4(SCN10A):c.1193T>C (p.Met398Thr)

Gene: SCN10A (sodium voltage-gated channel alpha subunit 10; minus strand). Cytogenetic location: 3p22.2.
Variant type: single nucleotide variant.
Coding change: c.1193T>C on transcript NM_006514.4 (MANE Select); coding-DNA position 1193, T replaced by C.
Protein change: p.Met398Thr; replaces methionine 398 with threonine.
Molecular consequence: missense variant.
Genome position (GRCh38, 1-based): chr3:38,756,771, A>G on the plus strand (T>C on the coding strand, the complement: SCN10A is on the minus strand). VCF-style: chr3-38756771-A-G. GRCh37 (hg19) VCF-style: chr3-38798262-A-G.
Other names: c.1193T>C, p.Met398Thr (NM_001293306.2, NM_001293307.2); short protein forms M398T.
Identifiers: ClinVar variation 1489553 (VCV001489553.8), dbSNP rs978338746, ClinGen allele CA72991202.